The following is an entry in ClinVar:

ClinVar aggregate classification (germline): Uncertain significance (1 of 4 stars; one submission).

Allele frequency attached by ClinVar (database versions not stated): gnomAD exomes below 0.00001.
gnomAD v4.1: 1 of 1,613,488 alleles (0.000062%); highest among the groups gnomAD compares: Admixed American, 0.0017%; no homozygotes.

Submission:

Women's Health and Genetics/Laboratory Corporation of America, LabCorp
Classification: Uncertain significance. Last evaluated: 2020-08-17. Review status: criteria provided, single submitter. Criteria: LabCorp Variant Classification Summary - May 2015. Collection method: clinical testing. Allele origin: germline.
Comment: Variant summary: A2ML1 c.3718-6C>T alters a non-conserved nucleotide located close to a canonical splice site and therefore could affect mRNA splicing, leading to a significantly altered protein sequence. 4/4 computational tools predict no significant impact on normal splicing. However, these predictions have yet to be confirmed by functional studies. The variant was absent in 249298 control chromosomes. The available data on variant occurrences in the general population are insufficient to allow any conclusion about variant significance. To our knowledge, no occurrence of c.3718-6C>T in individuals affected with Noonan Syndrome and no experimental evidence demonstrating its impact on protein function have been reported. No clinical diagnostic laboratories have submitted clinical-significance assessments for this variant to ClinVar after 2014. Based on the evidence outlined above, the variant was classified as uncertain significance.

NM_144670.6(A2ML1):c.3718-6C>T

Gene: A2ML1 (alpha-2-macroglobulin like 1; plus strand). Cytogenetic location: 12p13.31.
Variant type: single nucleotide variant.
Coding change: c.3718-6C>T on transcript NM_144670.6 (MANE Select); 6 bases into the intron before coding-DNA position 3718, C replaced by T.
Molecular consequence: intron variant.
Genome position (GRCh38, 1-based): chr12:8,867,836, C>T. VCF-style: chr12-8867836-C-T. GRCh37 (hg19) VCF-style: chr12-9020432-C-T.
Other names: c.2245-6C>T (NM_001282424.3).
Identifiers: ClinVar variation 977718 (VCV000977718.1), dbSNP rs1944470448, ClinGen allele CA1139662509.
Genomic context (GRCh38, chr12:8,867,836, plus strand): 5'-GAGTTGTTCAAGGTTAATTCCAATGGCTCACAAAATGGTAAGTATACGTTTGGTTGTTTC[C>T]CTCAGGATACTGTAGTTGCTCTCCAAGCTCTTGCCAAATATGCCACTACCGCCTACATGC-3'